The following is an entry in ClinVar:

NM_020964.2(EPG5):c.[3044C>T;6766+1G>C]

Variant type: Haplotype.
Identifiers: ClinVar variation 267449 (VCV000267449.4).

ClinVar aggregate classification (germline): Pathogenic (0 of 4 stars; one submission).

Conditions:
Vici syndrome (VICIS). Identifiers: Orphanet 1493, MedGen C1855772, MONDO:0009452, OMIM 242840.

Submission:

Department Of Pediatrics And Neonatology, Nagoya City University Graduate School Of Medical Sciences
Classification: Pathogenic for Vici syndrome. Last evaluated: 2016-08-11. Review status: no assertion criteria provided. Collection method: research. Allele origin: germline. Affected: yes. Observed: 1 variant allele.
Comment: This mutation was confirmed compound geterozygosity.

The mutation was identified with whole-exome sequencing (WES) using Agilent SureSelect V5 probes and Illumina HiSeq 2000 Sequencer.

Literature cited by the submitters: PubMed 28615637; PubMed 3344762; PubMed 21965116.